The following is an entry in ClinVar:

ClinVar aggregate classification (germline): Uncertain significance (1 of 4 stars; one submission).

Conditions:
Muscular dystrophy-dystroglycanopathy (congenital with brain and eye anomalies), type A14. Also called: Congenital muscular dystrophy-dystroglycanopathy with brain and eye anomalies, type A14; Congenital Muscular Dystrophy-Dystroglycanopathy with Brain and Eye Anomalies Type A 14; WALKER-WARBURG SYNDROME OR MUSCLE-EYE-BRAIN DISEASE, GMPPB-RELATED; Muscular dystrophy-dystroglycanopathy (congenital with brain and eye anomalies), type a, 14. Identifiers: Orphanet 588, MedGen C3809216, MONDO:0014140, OMIM 615350.

Allele frequency attached by ClinVar (database versions not stated): gnomAD exomes below 0.00001; ESP Exome Variant Server 0.00008.
gnomAD v4.1: 2 of 1,613,774 alleles (0.00012%); highest among the groups gnomAD compares: Non-Finnish European, 0.00017%; no homozygotes.

Submission:

Baylor Genetics
Classification: Uncertain significance for Muscular dystrophy-dystroglycanopathy (congenital with brain and eye anomalies), type A14. Last evaluated: 2020-11-20. Review status: criteria provided, single submitter. Criteria: ACMG Guidelines, 2015. Collection method: clinical testing. Allele origin: unknown. Affected: yes.
Comment: This variant was determined to be of uncertain significance according to ACMG Guidelines, 2015 [PMID:25741868].

NM_021971.4(GMPPB):c.388G>A (p.Glu130Lys)

Gene: GMPPB (GDP-mannose pyrophosphorylase B; minus strand). Cytogenetic location: 3p21.31.
Variant type: single nucleotide variant.
Coding change: c.388G>A on transcript NM_021971.4 (MANE Select); coding-DNA position 388, G replaced by A.
Protein change: p.Glu130Lys; replaces glutamic acid 130 with lysine.
Molecular consequence: missense variant.
Genome position (GRCh38, 1-based): chr3:49,722,986, C>T on the plus strand (G>A on the coding strand, the complement: GMPPB is on the minus strand). VCF-style: chr3-49722986-C-T. GRCh37 (hg19) VCF-style: chr3-49760419-C-T.
Other names: c.388G>A, p.Glu130Lys (NM_013334.4); short protein forms E130K.
Identifiers: ClinVar variation 1029225 (VCV001029225.1), dbSNP rs367734644, ClinGen allele CA74542204.
Genomic context (GRCh38, chr3:49,722,986, plus strand): 5'-GCATGGAGGGTGAAAGTGTCAAGAGAGAGAAGACCTGGCGCCTTACCAGGATGGAGCCCT[C>T]CTGGCCATGGTGCCGGTGGAACTGCACCATGGCTTGGAAGGGGAAATCGCAGATCACGTC-3'
Protein context (NP_068806.2, residues 120-140): MVQFHRHHGQ[Glu130Lys]GSILVTKVEE